The following is an entry in ClinVar:

NM_000238.4(KCNH2):c.169G>A (p.Ala57Thr)

Gene: KCNH2 (potassium voltage-gated channel subfamily H member 2; minus strand). Cytogenetic location: 7q36.1.
Variant type: single nucleotide variant.
Coding change: c.169G>A on transcript NM_000238.4 (MANE Select); coding-DNA position 169, G replaced by A.
Protein change: p.Ala57Thr; replaces alanine 57 with threonine.
Molecular consequence: missense variant.
Genome position (GRCh38, 1-based): chr7:150,974,849, C>T on the plus strand (G>A on the coding strand, the complement: KCNH2 is on the minus strand). VCF-style: chr7-150974849-C-T. GRCh37 (hg19) VCF-style: chr7-150671937-C-T.
Other names: c.-9G>A (NM_001406755.1); c.169G>A, p.Ala57Thr (NM_172056.3); short protein forms A57T.
Identifiers: ClinVar variation 654924 (VCV000654924.9), dbSNP rs199472846, ClinGen allele CA369865757.
Genomic context (GRCh38, chr7:150,974,849, plus strand): 5'-GGCGCTGCGTGCGCGGCCCGTGCAGGAAGTCGCAGGTGCAGGGTCGCTGCATCACCTCGG[C>T]CCGCGAGTAGCCGCACAGCTCGCAGAAGCCGTCGTTGCAGTAGATGACGGCGCAGTTCTC-3'
Protein context (NP_000229.1, residues 47-67): GFCELCGYSR[Ala57Thr]EVMQRPCTCD

ClinVar aggregate classification (germline): Uncertain significance (1 of 4 stars; one submission).

Conditions:
Long QT syndrome (LQTS). Identifiers: MedGen C0023976, MeSH D008133, MONDO:0002442. Disease mechanism: loss of function. Inheritance: Various modes of inheritance.

Allele frequency attached by ClinVar (database versions not stated): TOPMed below 0.00001; gnomAD 0.00001.
gnomAD v4.1: 1 of 1,610,096 alleles (0.000062%); highest among the groups gnomAD compares: Non-Finnish European, 0.000085%; no homozygotes.

Submission:

Labcorp Genetics (formerly Invitae), Labcorp
Classification: Uncertain significance for Long QT syndrome. Last evaluated: 2018-09-14. Review status: criteria provided, single submitter. Criteria: Invitae Variant Classification Sherloc (09022015). Collection method: clinical testing. Allele origin: germline.
Comment: This variant is not present in population databases (ExAC no frequency). This sequence change replaces alanine with threonine at codon 57 of the KCNH2 protein (p.Ala57Thr). The alanine residue is weakly conserved and there is a small physicochemical difference between alanine and threonine. This variant has not been reported in the literature in individuals with KCNH2-related disease. In summary, the available evidence is currently insufficient to determine the role of this variant in disease. Therefore, it has been classified as a Variant of Uncertain Significance. Algorithms developed to predict the effect of missense changes on protein structure and function are either unavailable or do not agree on the potential impact of this missense change (SIFT: "Tolerated"; PolyPhen-2: "Benign"; Align-GVGD: "Class C0").